The following is an entry in ClinVar:

ClinVar aggregate classification (germline): Uncertain significance. Review status: criteria provided, multiple submitters, no conflicts (2 of 4 stars). 6 submissions from 6 submitters: Uncertain significance (6). Last evaluated 2025-07-22.

Conditions:
Hereditary nonpolyposis colorectal neoplasms. Identifiers: MedGen C0009405, MeSH D003123.
Hereditary cancer-predisposing syndrome. Also called: Neoplastic Syndromes, Hereditary; Tumor predisposition; Hereditary Cancer Syndrome; Hereditary neoplastic syndrome. Identifiers: Orphanet 140162, MedGen C0027672, MeSH D009386, MONDO:0015356.

Submissions (6):

Labcorp Genetics (formerly Invitae), Labcorp
Classification: Uncertain significance for Hereditary nonpolyposis colorectal neoplasms. Last evaluated: 2025-07-22. Review status: criteria provided, single submitter. Criteria: Invitae Variant Classification Sherloc (09022015). Collection method: clinical testing. Allele origin: germline.
Comment: This sequence change replaces asparagine, which is neutral and polar, with lysine, which is basic and polar, at codon 683 of the PMS2 protein (p.Asn683Lys). The frequency data for this variant in the population databases (gnomAD) is considered unreliable due to the presence of homologous sequence, such as pseudogenes or paralogs, in the genome. This missense change has been observed in individual(s) with endometrial cancer (internal data). ClinVar contains an entry for this variant (Variation ID: 233455). Invitae Evidence Modeling of protein sequence and biophysical properties (such as structural, functional, and spatial information, amino acid conservation, physicochemical variation, residue mobility, and thermodynamic stability) indicates that this missense variant is expected to disrupt PMS2 protein function with a positive predictive value of 80%. In summary, the available evidence is currently insufficient to determine the role of this variant in disease. Therefore, it has been classified as a Variant of Uncertain Significance.

Ambry Genetics
Classification: Uncertain significance for Hereditary cancer-predisposing syndrome. Last evaluated: 2024-11-09. Review status: criteria provided, single submitter. Criteria: Ambry Variant Classification Scheme 2023. Collection method: clinical testing. Allele origin: germline.
Comment: The p.N683K variant (also known as c.2049C>G), located in coding exon 12 of the PMS2 gene, results from a C to G substitution at nucleotide position 2049. The asparagine at codon 683 is replaced by lysine, an amino acid with similar properties. This amino acid position is highly conserved in available vertebrate species. In addition, the in silico prediction for this alteration is inconclusive. Since supporting evidence is limited at this time, the clinical significance of this alteration remains unclear.

Revvity Omics, Revvity
Classification: Uncertain significance. Last evaluated: 2024-07-30. Review status: criteria provided, single submitter. Criteria: ACMG Guidelines, 2015. Collection method: clinical testing. Allele origin: germline.

Color Diagnostics, LLC DBA Color Health
Classification: Uncertain significance for Hereditary cancer-predisposing syndrome. Last evaluated: 2023-11-06. Review status: criteria provided, single submitter. Criteria: ACMG Guidelines, 2015. Collection method: clinical testing. Allele origin: germline.
Comment: This missense variant replaces asparagine with lysine at codon 683 of the PMS2 protein. Computational prediction is inconclusive regarding the impact of this variant on protein structure and function (internally defined REVEL score threshold 0.5 < inconclusive < 0.7, PMID: 27666373). To our knowledge, functional studies have not been reported for this variant. This variant has not been reported in individuals affected with PMS2-related disorders in the literature. This variant has not been identified in the general population by the Genome Aggregation Database (gnomAD). The available evidence is insufficient to determine the role of this variant in disease conclusively. Therefore, this variant is classified as a Variant of Uncertain Significance.

Women's Health and Genetics/Laboratory Corporation of America, LabCorp
Classification: Uncertain significance. Last evaluated: 2021-04-26. Review status: criteria provided, single submitter. Criteria: LabCorp Variant Classification Summary - May 2015. Collection method: clinical testing. Allele origin: germline.
Comment: Variant summary: PMS2 c.2049C>G (p.Asn683Lys) results in a non-conservative amino acid change located in the C-terminal, dimerization domain (IPR014790) of the encoded protein sequence. Five of five in-silico tools predict a damaging effect of the variant on protein function. The variant was absent in 212056 control chromosomes (gnomAD). The available data on variant occurrences in the general population are insufficient to allow any conclusion about variant significance. To our knowledge, no occurrence of c.2049C>G in individuals affected with Lynch Syndrome and no experimental evidence demonstrating its impact on protein function have been reported. Three ClinVar submitters (evaluation after 2014) cite the variant as uncertain significance. Based on the evidence outlined above, the variant was classified as uncertain significance.

PreventionGenetics, part of Exact Sciences
Classification: Uncertain significance. Last evaluated: 2017-02-09. Review status: criteria provided, single submitter. Criteria: ACMG Guidelines, 2015. Collection method: clinical testing. Allele origin: germline.

NM_000535.7(PMS2):c.2049C>G (p.Asn683Lys)

Gene: PMS2 (PMS1 homolog 2, mismatch repair system component; minus strand). Cytogenetic location: 7p22.1.
Variant type: single nucleotide variant.
Coding change: c.2049C>G on transcript NM_000535.7 (MANE Select); coding-DNA position 2049, C replaced by G.
Protein change: p.Asn683Lys; replaces asparagine 683 with lysine.
Molecular consequence: missense variant. On other transcripts: non-coding transcript variant (1).
Genome position (GRCh38, 1-based): chr7:5,982,949, G>C on the plus strand (C>G on the coding strand, the complement: PMS2 is on the minus strand). VCF-style: chr7-5982949-G-C. GRCh37 (hg19) VCF-style: chr7-6022580-G-C.
Other names: c.1644C>G, p.Asn548Lys (NM_001322003.2, NM_001322004.2, NM_001322005.2 and 1 more transcripts); c.1893C>G, p.Asn631Lys (NM_001322006.2); c.1731C>G, p.Asn577Lys (NM_001322007.2, NM_001322008.2); c.1488C>G, p.Asn496Lys (NM_001322010.2); c.1116C>G, p.Asn372Lys (NM_001322011.2, NM_001322012.2); c.1476C>G, p.Asn492Lys (NM_001322013.2); c.2049C>G, p.Asn683Lys (NM_001322014.2); c.1740C>G, p.Asn580Lys (NM_001322015.2); short protein forms N683K, N631K, N492K, N496K, N372K, N548K, N577K, N580K.
Identifiers: ClinVar variation 233455 (VCV000233455.20), dbSNP rs752950007, ClinGen allele CA10578655.
Genomic context (GRCh38, chr7:5,982,949, plus strand): 5'-CGTGGCATGCTGGTCCACTATGAAGATATCCTCATTCAGTTTGGTTATTATAAATCCCAG[G>C]TTAAACTGACCAATGATTTCCATTTCTGCAAACATCGTTTTACTGCAGGTAGAAAATGTT-3'
Protein context (NP_000526.2, residues 673-693): FAEMEIIGQF[Asn683Lys]LGFIITKLNE